The following is an entry in ClinVar:

NM_001127208.3(TET2):c.2671C>T (p.Gln891Ter)

Genes: TET2 (tet methylcytosine dioxygenase 2; plus strand), TET2-AS1 (TET2 antisense RNA 1; minus strand). Cytogenetic location: 4q24.
Variant type: single nucleotide variant.
Coding change: c.2671C>T on transcript NM_001127208.3 (MANE Select); coding-DNA position 2671, C replaced by T.
Protein change: p.Gln891Ter; replaces glutamine 891 with a stop codon.
Molecular consequence: nonsense.
Genome position (GRCh38, 1-based): chr4:105,236,613, C>T. VCF-style: chr4-105236613-C-T. GRCh37 (hg19) VCF-style: chr4-106157770-C-T.
Other names: c.2671C>T, p.Gln891Ter (NM_017628.4); short protein forms Q891*.
Identifiers: ClinVar variation 3766617 (VCV003766617.1).

ClinVar aggregate classification (germline): Likely pathogenic (1 of 4 stars; one submission).

gnomAD v4.1: 1 of 1,614,050 alleles (0.000062%); highest among the groups gnomAD compares: Non-Finnish European, 0.000085%; no homozygotes.

Submission:

ARUP Laboratories, Molecular Genetics and Genomics, ARUP Laboratories
Classification: Likely pathogenic. Last evaluated: 2024-05-14. Review status: criteria provided, single submitter. Criteria: ARUP Molecular Germline Variant Investigation Process 2024. Collection method: clinical testing. Allele origin: germline.
Comment: The TET2 c.2671C>T; p.Gln891Ter (rs1728935541), to our knowledge, is not reported in individuals with IMD75, but has been reported as a possibly acquired mutation in patients with myeloid and lymphoid neoplasms (COSMIC) (cBioPortal) . This variant is absent from the Genome Aggregation Database (v2.1.1), indicating it is not a common polymorphism. This variant induces an early termination codon and is predicted to result in a truncated protein or mRNA subject to nonsense-mediated decay. Based on available information, this variant is considered to be likely pathogenic. References: cBioPortal. cBioPortal database website. 2019. COSMIC. COSMIC database website. 2019.